The following is an entry in ClinVar:

ClinVar aggregate classification (germline): Uncertain significance (1 of 4 stars; one submission).

Allele frequency attached by ClinVar (database versions not stated): gnomAD exomes below 0.00001.
gnomAD v4.1: 1 of 1,610,552 alleles (0.000062%); highest among the groups gnomAD compares: Non-Finnish European, 0.000085%; no homozygotes.

Submission:

Labcorp Genetics (formerly Invitae), Labcorp
Classification: Uncertain significance. Last evaluated: 2022-03-17. Review status: criteria provided, single submitter. Criteria: Invitae Variant Classification Sherloc (09022015). Collection method: clinical testing. Allele origin: germline.
Comment: This variant is not present in population databases (gnomAD no frequency). This sequence change replaces arginine, which is basic and polar, with glutamine, which is neutral and polar, at codon 446 of the BCL11B protein (p.Arg446Gln). This variant has not been reported in the literature in individuals affected with BCL11B-related conditions. Algorithms developed to predict the effect of missense changes on protein structure and function are either unavailable or do not agree on the potential impact of this missense change (SIFT: "Deleterious"; PolyPhen-2: "Probably Damaging"; Align-GVGD: "Class C0"). In summary, the available evidence is currently insufficient to determine the role of this variant in disease. Therefore, it has been classified as a Variant of Uncertain Significance.

NM_138576.4(BCL11B):c.1337G>A (p.Arg446Gln)

Gene: BCL11B (BCL11 transcription factor B; minus strand). Cytogenetic location: 14q32.2.
Variant type: single nucleotide variant.
Coding change: c.1337G>A on transcript NM_138576.4 (MANE Select); coding-DNA position 1337, G replaced by A.
Protein change: p.Arg446Gln; replaces arginine 446 with glutamine.
Molecular consequence: missense variant.
Genome position (GRCh38, 1-based): chr14:99,175,499, C>T on the plus strand (G>A on the coding strand, the complement: BCL11B is on the minus strand). VCF-style: chr14-99175499-C-T. GRCh37 (hg19) VCF-style: chr14-99641836-C-T.
Other names: c.1334G>A, p.Arg445Gln (NM_001282237.2); c.1121G>A, p.Arg374Gln (NM_001282238.2); c.1124G>A, p.Arg375Gln (NM_022898.3); short protein forms R374Q, R445Q, R375Q, R446Q.
Identifiers: ClinVar variation 2113264 (VCV002113264.4), dbSNP rs2503646995, ClinGen allele CA390935608.
Genomic context (GRCh38, chr14:99,175,499, plus strand): 5'-TGCGAGCACGCGTGGTCGCACAGCTGGCACTTGTAGGGCTTCTCGCCCGTGTGACTGCGC[C>T]GGTGCACGATGAGATTGCTCTGGAACTTGAAGGTCTTGCCGCAGAACTCGCACGACTTGC-3'
Protein context (NP_612808.1, residues 436-456): FKFQSNLIVH[Arg446Gln]RSHTGEKPYK